The following is an entry in ClinVar:

ClinVar aggregate classification (germline): Uncertain significance (1 of 4 stars; one submission).

gnomAD v4.1: 3 of 1,611,334 alleles (0.00019%); highest among the groups gnomAD compares: Non-Finnish European, 0.00025%; no homozygotes.

Submission:

Labcorp Genetics (formerly Invitae), Labcorp
Classification: Uncertain significance. Last evaluated: 2022-03-13. Review status: criteria provided, single submitter. Criteria: Invitae Variant Classification Sherloc (09022015). Collection method: clinical testing. Allele origin: germline.
Comment: In summary, the available evidence is currently insufficient to determine the role of this variant in disease. Therefore, it has been classified as a Variant of Uncertain Significance. Advanced modeling of protein sequence and biophysical properties (such as structural, functional, and spatial information, amino acid conservation, physicochemical variation, residue mobility, and thermodynamic stability) performed at Invitae indicates that this missense variant is expected to disrupt SI protein function. This variant has not been reported in the literature in individuals affected with SI-related conditions. This variant is not present in population databases (gnomAD no frequency). This sequence change replaces arginine, which is basic and polar, with leucine, which is neutral and non-polar, at codon 1655 of the SI protein (p.Arg1655Leu).

NM_001041.4(SI):c.4964G>T (p.Arg1655Leu)

Gene: SI (sucrase-isomaltase; minus strand). Cytogenetic location: 3q26.1.
Variant type: single nucleotide variant.
Coding change: c.4964G>T on transcript NM_001041.4 (MANE Select); coding-DNA position 4964, G replaced by T.
Protein change: p.Arg1655Leu; replaces arginine 1655 with leucine.
Molecular consequence: missense variant.
Genome position (GRCh38, 1-based): chr3:164,992,196, C>A on the plus strand (G>T on the coding strand, the complement: SI is on the minus strand). VCF-style: chr3-164992196-C-A. GRCh37 (hg19) VCF-style: chr3-164709984-C-A.
Other names: short protein forms R1655L.
Identifiers: ClinVar variation 2110868 (VCV002110868.4), dbSNP rs752540924, ClinGen allele CA355028537.